The following is an entry in ClinVar:

NM_000093.5(COL5A1):c.3545C>T (p.Thr1182Ile)

Gene: COL5A1 (collagen type V alpha 1 chain; plus strand). Cytogenetic location: 9q34.3.
Variant type: single nucleotide variant.
Coding change: c.3545C>T on transcript NM_000093.5 (MANE Select); coding-DNA position 3545, C replaced by T.
Protein change: p.Thr1182Ile; replaces threonine 1182 with isoleucine.
Molecular consequence: missense variant.
Genome position (GRCh38, 1-based): chr9:134,811,355, C>T. VCF-style: chr9-134811355-C-T. GRCh37 (hg19) VCF-style: chr9-137703201-C-T.
Other names: c.3545C>T, p.Thr1182Ile (NM_001278074.1); short protein forms T1182I.
Identifiers: ClinVar variation 393271 (VCV000393271.10), dbSNP rs1057524867, ClinGen allele CA16605673.

ClinVar aggregate classification (germline): Uncertain significance. Review status: criteria provided, multiple submitters, no conflicts (2 of 4 stars). 2 submissions from 2 submitters: Uncertain significance (2). Last evaluated 2023-09-25.

Conditions:
Ehlers-Danlos syndrome, classic type, 1 (EDSCL1). Also called: EHLERS-DANLOS SYNDROME, GRAVIS TYPE; EHLERS-DANLOS SYNDROME, SEVERE CLASSIC TYPE; Ehlers-Danlos Syndrome, Classic Type, COL5A1-Related; EDS I; Ehlers-Danlos syndrome, type 1. Identifiers: MedGen C0268335, MONDO:0019567, OMIM 130000.

Allele frequency attached by ClinVar (database versions not stated): gnomAD 0.00001; TOPMed 0.00001.
gnomAD v4.1: 5 of 1,613,968 alleles (0.00031%); highest among the groups gnomAD compares: Non-Finnish European, 0.00042%; no homozygotes.

Submissions (2):

Labcorp Genetics (formerly Invitae), Labcorp
Classification: Uncertain significance for Ehlers-Danlos syndrome, classic type, 1. Last evaluated: 2023-09-25. Review status: criteria provided, single submitter. Criteria: Invitae Variant Classification Sherloc (09022015). Collection method: clinical testing. Allele origin: germline.
Comment: This variant has not been reported in the literature in individuals affected with COL5A1-related conditions. ClinVar contains an entry for this variant (Variation ID: 393271). Advanced modeling of protein sequence and biophysical properties (such as structural, functional, and spatial information, amino acid conservation, physicochemical variation, residue mobility, and thermodynamic stability) performed at Invitae indicates that this missense variant is not expected to disrupt COL5A1 protein function. In summary, the available evidence is currently insufficient to determine the role of this variant in disease. Therefore, it has been classified as a Variant of Uncertain Significance. This variant is not present in population databases (gnomAD no frequency). This sequence change replaces threonine, which is neutral and polar, with isoleucine, which is neutral and non-polar, at codon 1182 of the COL5A1 protein (p.Thr1182Ile).

GeneDx
Classification: Uncertain significance. Last evaluated: 2017-02-06. Review status: criteria provided, single submitter. Criteria: GeneDx Variant Classification (06012015). Collection method: clinical testing. Allele origin: germline. Affected: yes.
Comment: A variant of uncertain significance has been identified in the COL5A1 gene. The T1182I variant has not been published as pathogenic or been reported as benign to our knowledge. This variant is not observed in large population cohorts (Lek et al., 2016; 1000 Genomes Consortium et al., 2015; Exome Variant Server). The T1182I variant is a non-conservative amino acid substitution, which is likely to impact secondary protein structure as these residues differ in polarity, charge, size and/or other properties. This substitution occurs at a position that is conserved in mammals. However, in silico analysis is inconsistent in its predictions as to whether or not the variant is damaging to the protein structure/function. Finally, while the T1182I variant is located in a Gly-X-Y motif in the triple helical region of the COL5A1 gene, it does not affect a Glycine residue in this region, as the majority of pathogenic missense variants do (Stenson et al., 2014; Symoens et al., 2012).